The following is an entry in ClinVar:

NM_016604.4(KDM3B):c.1244A>G (p.Gln415Arg)

Gene: KDM3B (lysine demethylase 3B; plus strand). Cytogenetic location: 5q31.2.
Variant type: single nucleotide variant.
Coding change: c.1244A>G on transcript NM_016604.4 (MANE Select); coding-DNA position 1244, A replaced by G.
Protein change: p.Gln415Arg; replaces glutamine 415 with arginine.
Molecular consequence: missense variant.
Genome position (GRCh38, 1-based): chr5:138,386,485, A>G. VCF-style: chr5-138386485-A-G. GRCh37 (hg19) VCF-style: chr5-137722174-A-G.
Other names: short protein forms Q415R.
Identifiers: ClinVar variation 3731618 (VCV003731618.1).

ClinVar aggregate classification (germline): Uncertain significance (1 of 4 stars; one submission).

Conditions:
Diets-Jongmans syndrome. Also called: INTELLECTUAL DEVELOPMENTAL DISORDER WITH DISTINCTIVE FACIAL DYSMORPHISM. Identifiers: MedGen C5394263, MONDO:0030012, OMIM 618846.

Submission:

Clinical Genomics Laboratory, Stanford Medicine
Classification: Uncertain significance for Diets-Jongmans syndrome. Last evaluated: 2023-03-10. Review status: criteria provided, single submitter. Criteria: ACMG Guidelines, 2015. Collection method: clinical testing. Allele origin: paternal. Affected: yes. Observed: 2 variant alleles, 2 heterozygotes. Clinical features observed: loss of speech, delayed motor skills, autism, progressive left SNHL, history of staring spells and low axial tone, chronic inflammation.
Comment: The p.Gln415Arg variant in the KDM3B gene has not been previously reported in association with disease. This variant was absent from large population databases, including the Genome Aggregation Database. The KDM3B gene has fewer missense variants in the general population than expected. A low rate of missense variation may suggest that this gene is intolerant to missense variation. Computational tools predict that this variant is neither deleterious nor benign; however, the accuracy of in silico algorithms is limited. These data were assessed using the ACMG/AMP variant interpretation guidelines. In summary, the significance of the p.Gln415Arg variant is uncertain. Additional information is needed to resolve the significance of this variant. [ACMG evidence codes used: PM2; PP2]